The following is an entry in ClinVar:

ClinVar aggregate classification (germline): Uncertain significance (1 of 4 stars; one submission).

Conditions:
Cardiomyopathy (CMYO). Also called: Cardiomyopathies. Identifiers: Orphanet 167848, MedGen C0878544, MONDO:0004994, HP:0001638. Inheritance: Various modes of inheritance.

Submission:

Color Diagnostics, LLC DBA Color Health
Classification: Uncertain significance for Cardiomyopathy. Last evaluated: 2023-12-04. Review status: criteria provided, single submitter. Criteria: ACMG Guidelines, 2015. Collection method: clinical testing. Allele origin: germline.
Comment: Variant of Uncertain Significance due to insufficient evidence: This missense variant is located in the extracellular cadherin domain 3 of the DSG2 protein. Computational prediction tools and conservation analyses are inconclusive regarding the impact of this variant on the protein function. Computational splicing tools suggest that this variant may not impact RNA splicing. To our knowledge, functional assays have not been performed for this variant nor has this variant been reported in individuals affected with cardiovascular disorders in the literature. This variant is rare in the general population and has been identified in 0/277264 chromosomes by the Genome Aggregation Database (gnomAD). Available evidence is insufficient to determine the pathogenicity of this variant conclusively.

NM_001943.5(DSG2):c.861_863delinsTGG (p.Val288Gly)

Gene: DSG2 (desmoglein 2; plus strand). Cytogenetic location: 18q12.1.
Variant type: Indel.
Coding change: c.861_863delinsTGG on transcript NM_001943.5 (MANE Select); coding-DNA positions 861 to 863, CGT replaced by TGG.
Protein change: p.Val288Gly; replaces valine 288 with glycine.
Molecular consequence: missense variant.
Genome position (GRCh38, 1-based): chr18:31,524,735-31,524,737, CGT replaced by TGG. VCF-style: chr18-31524735-CGT-TGG. GRCh37 (hg19) VCF-style: chr18-29104698-CGT-TGG.
Other names: short protein forms V288G.
Identifiers: ClinVar variation 928196 (VCV000928196.5), dbSNP rs2073151440, ClinGen allele CA913188926.
Genomic context (GRCh38, chr18:31,524,735, plus strand): 5'-ATAAAAATCATGTGTTCATGTTTTGCAGCTTGAAGGGATGGTTGAAGAAAATCAAGTCAA[CGT>TGG]AGAAGTTACGCGCATAAAAGTGTTCGATGCAGATGAAATAGGTTCTGATAATTGGCTGGC-3'
Protein context (NP_001934.2, residues 278-298): EGMVEENQVN[Val288Gly]EVTRIKVFDA